The following is an entry in ClinVar:

ClinVar aggregate classification (germline): Likely pathogenic (0 of 4 stars; one submission).

Conditions:
DNAH9-related disorder. Also called: DNAH9-related condition.

gnomAD v4.1: 7 of 1,578,718 alleles (0.00044%); highest among the groups gnomAD compares: South Asian, 0.0012%; no homozygotes.

Submission:

PreventionGenetics, part of Exact Sciences
Classification: Likely pathogenic for DNAH9-related condition. Last evaluated: 2024-06-06. Review status: no assertion criteria provided. Collection method: clinical testing. Allele origin: germline.
Comment: The DNAH9 c.6738+1G>A variant is predicted to disrupt the GT donor site and interfere with normal splicing. To our knowledge, this variant has not been reported in the literature. This variant is reported in 0.00096% of alleles in individuals of European (Non-Finnish) descent in gnomAD. Variants that disrupt the consensus splice donor site in DNAH9 are expected to be pathogenic. This variant is interpreted as likely pathogenic.

NM_001372.4(DNAH9):c.6738+1G>A

Gene: DNAH9 (dynein axonemal heavy chain 9; plus strand). Cytogenetic location: 17p12.
Variant type: single nucleotide variant.
Coding change: c.6738+1G>A on transcript NM_001372.4 (MANE Select); the canonical splice donor site of the intron after coding-DNA position 6738, G replaced by A.
Molecular consequence: splice donor variant.
Genome position (GRCh38, 1-based): chr17:11,752,961, G>A. VCF-style: chr17-11752961-G-A. GRCh37 (hg19) VCF-style: chr17-11656278-G-A.
Identifiers: ClinVar variation 3348302 (VCV003348302.1).